The following is an entry in ClinVar:

ClinVar aggregate classification (germline): Uncertain significance (1 of 4 stars; one submission).

Conditions:
Hereditary cancer-predisposing syndrome. Also called: Tumor predisposition; Neoplastic Syndromes, Hereditary; Hereditary Cancer Syndrome; Hereditary neoplastic syndrome. Identifiers: Orphanet 140162, MedGen C0027672, MeSH D009386, MONDO:0015356.

Submission:

Ambry Genetics
Classification: Uncertain significance for Hereditary cancer-predisposing syndrome. Last evaluated: 2024-12-27. Review status: criteria provided, single submitter. Criteria: Ambry Variant Classification Scheme 2023. Collection method: clinical testing. Allele origin: germline.
Comment: The c.1475A>T variant (also known as p.K492M), located in coding exon 14 of the MUTYH gene, results from an A to T substitution at nucleotide position 1475. The lysine at codon 492 is replaced by methionine, an amino acid with similar properties. This nucleotide position is highly conserved in available vertebrate species. This amino acid position is highly conserved in available vertebrate species. In silico splice site analysis predicts that this alteration will weaken the native splice donor site; however, direct evidence is insufficient at this time (Ambry internal data). In addition, as a missense substitution this is predicted to be deleterious by in silico analysis. Based on the available evidence, the clinical significance of this variant remains unclear.

NM_001048174.2(MUTYH):c.1391A>T (p.Lys464Met)

Gene: MUTYH (mutY DNA glycosylase; minus strand). Cytogenetic location: 1p34.1.
Variant type: single nucleotide variant.
Coding change: c.1391A>T on transcript NM_001048174.2 (MANE Select); coding-DNA position 1391, A replaced by T.
Protein change: p.Lys464Met; replaces lysine 464 with methionine.
Molecular consequence: missense variant. On other transcripts: non-coding transcript variant (7).
Genome position (GRCh38, 1-based): chr1:45,331,183, T>A on the plus strand (A>T on the coding strand, the complement: MUTYH is on the minus strand). VCF-style: chr1-45331183-T-A. GRCh37 (hg19) VCF-style: chr1-45796855-T-A.
Other names: c.1391A>T, p.Lys464Met (NM_001048171.2, NM_001048173.2, NM_001293195.2 and 6 more transcripts); c.1394A>T, p.Lys465Met (NM_001048172.2, NM_001407071.1, NM_001407078.1 and 1 more transcripts); c.1475A>T, p.Lys492Met (NM_001128425.2); c.1436A>T, p.Lys479Met (NM_001293190.2); c.1424A>T, p.Lys475Met (NM_001293191.2, NM_001407069.1, NM_001407077.1); c.1115A>T, p.Lys372Met (NM_001293192.2, NM_001293196.2, NM_001407091.1); c.1046A>T, p.Lys349Met (NM_001350650.2, NM_001350651.2, NM_001407082.1); c.1307A>T, p.Lys436Met (NM_001407075.1); and 5 more; short protein forms K450M, K465M, K479M, K349M, K451M, K475M, K492M, K436M.
Identifiers: ClinVar variation 3875921 (VCV003875921.1).